The following is an entry in ClinVar:

NM_006118.4(HAX1):c.37T>C (p.Phe13Leu)

Gene: HAX1 (HCLS1 associated protein X-1; plus strand). Cytogenetic location: 1q21.3.
Variant type: single nucleotide variant.
Coding change: c.37T>C on transcript NM_006118.4 (MANE Select); coding-DNA position 37, T replaced by C.
Protein change: p.Phe13Leu; replaces phenylalanine 13 with leucine.
Molecular consequence: missense variant.
Genome position (GRCh38, 1-based): chr1:154,272,760, T>C. VCF-style: chr1-154272760-T-C. GRCh37 (hg19) VCF-style: chr1-154245236-T-C.
Other names: c.37T>C, p.Phe13Leu (NM_001018837.2); short protein forms F13L.
Identifiers: ClinVar variation 4033876 (VCV004033876.1).

ClinVar aggregate classification (germline): Uncertain significance (1 of 4 stars; one submission).

Conditions:
Inborn genetic diseases. Identifiers: MedGen C0950123, MeSH D030342.

Submission:

Ambry Genetics
Classification: Uncertain significance for Inborn genetic diseases. Last evaluated: 2025-06-14. Review status: criteria provided, single submitter. Criteria: Ambry Variant Classification Scheme 2023. Collection method: clinical testing. Allele origin: germline.
Comment: The p.F13L variant (also known as c.37T>C), located in coding exon 1 of the HAX1 gene, results from a T to C substitution at nucleotide position 37. The phenylalanine at codon 13 is replaced by leucine, an amino acid with highly similar properties. This amino acid position is conserved. In addition, this alteration is predicted to be tolerated by in silico analysis. Based on the available evidence, the clinical significance of this variant remains unclear.